The following is an entry in ClinVar:

NM_001190274.2(FBXO11):c.409G>A (p.Ala137Thr)

Gene: FBXO11 (F-box protein 11; minus strand). Cytogenetic location: 2p16.3.
Variant type: single nucleotide variant.
Coding change: c.409G>A on transcript NM_001190274.2 (MANE Select); coding-DNA position 409, G replaced by A.
Protein change: p.Ala137Thr; replaces alanine 137 with threonine.
Molecular consequence: missense variant.
Genome position (GRCh38, 1-based): chr2:47,839,452, C>T on the plus strand (G>A on the coding strand, the complement: FBXO11 is on the minus strand). VCF-style: chr2-47839452-C-T. GRCh37 (hg19) VCF-style: chr2-48066591-C-T.
Other names: c.157G>A, p.Ala53Thr (NM_001374325.1, NM_025133.4); short protein forms A137T, A53T.
Identifiers: ClinVar variation 2005008 (VCV002005008.4), dbSNP rs2531260108, ClinGen allele CA346813388.

ClinVar aggregate classification (germline): Uncertain significance (1 of 4 stars; one submission).

Allele frequency attached by ClinVar (database versions not stated): gnomAD exomes below 0.00001.
gnomAD v4.1: 1 of 1,613,984 alleles (0.000062%); highest among the groups gnomAD compares: South Asian, 0.0011%; no homozygotes.

Submission:

Labcorp Genetics (formerly Invitae), Labcorp
Classification: Uncertain significance. Last evaluated: 2022-06-12. Review status: criteria provided, single submitter. Criteria: Invitae Variant Classification Sherloc (09022015). Collection method: clinical testing. Allele origin: germline.
Comment: Algorithms developed to predict the effect of missense changes on protein structure and function (SIFT, PolyPhen-2, Align-GVGD) all suggest that this variant is likely to be tolerated. In summary, the available evidence is currently insufficient to determine the role of this variant in disease. Therefore, it has been classified as a Variant of Uncertain Significance. This variant has not been reported in the literature in individuals affected with FBXO11-related conditions. This variant is not present in population databases (gnomAD no frequency). This sequence change replaces alanine, which is neutral and non-polar, with threonine, which is neutral and polar, at codon 137 of the FBXO11 protein (p.Ala137Thr).